The following is an entry in ClinVar:

NM_001197104.2(KMT2A):c.10975C>T (p.Arg3659Trp)

Gene: KMT2A (lysine methyltransferase 2A; plus strand). Cytogenetic location: 11q23.3.
Variant type: single nucleotide variant.
Coding change: c.10975C>T on transcript NM_001197104.2 (MANE Select); coding-DNA position 10975, C replaced by T.
Protein change: p.Arg3659Trp; replaces arginine 3659 with tryptophan.
Molecular consequence: missense variant.
Genome position (GRCh38, 1-based): chr11:118,510,022, C>T. VCF-style: chr11-118510022-C-T. GRCh37 (hg19) VCF-style: chr11-118380737-C-T.
Other names: c.11065C>T, p.Arg3689Trp (NM_001412597.1); c.10966C>T, p.Arg3656Trp (NM_005933.4); short protein forms R3659W, R3689W, R3656W.
Identifiers: ClinVar variation 1991926 (VCV001991926.4), dbSNP rs1425093050, ClinGen allele CA382829814.

ClinVar aggregate classification (germline): Uncertain significance (1 of 4 stars; one submission).

Allele frequency attached by ClinVar (database versions not stated): gnomAD 0.00002; gnomAD exomes 0.00002; TOPMed 0.00002.

Submission:

Labcorp Genetics (formerly Invitae), Labcorp
Classification: Uncertain significance. Last evaluated: 2025-04-14. Review status: criteria provided, single submitter. Criteria: Invitae Variant Classification Sherloc (09022015). Collection method: clinical testing. Allele origin: germline.
Comment: This sequence change replaces arginine, which is basic and polar, with tryptophan, which is neutral and slightly polar, at codon 3659 of the KMT2A protein (p.Arg3659Trp). This variant is present in population databases (no rsID available, gnomAD 0.003%). This variant has not been reported in the literature in individuals affected with KMT2A-related conditions. ClinVar contains an entry for this variant (Variation ID: 1991926). Invitae Evidence Modeling of protein sequence and biophysical properties (such as structural, functional, and spatial information, amino acid conservation, physicochemical variation, residue mobility, and thermodynamic stability) indicates that this missense variant is not expected to disrupt KMT2A protein function with a negative predictive value of 95%. In summary, the available evidence is currently insufficient to determine the role of this variant in disease. Therefore, it has been classified as a Variant of Uncertain Significance.